The following is an entry in ClinVar:

NM_000169.3(GLA):c.454T>C (p.Tyr152His)

Genes: GLA (galactosidase alpha; minus strand), RPL36A-HNRNPH2 (RPL36A-HNRNPH2 readthrough; plus strand). Cytogenetic location: Xq22.1.
Variant type: single nucleotide variant.
Coding change: c.454T>C on transcript NM_000169.3 (MANE Select); coding-DNA position 454, T replaced by C.
Protein change: p.Tyr152His; replaces tyrosine 152 with histidine.
Molecular consequence: missense variant. On other transcripts: non-coding transcript variant (3), intron variant (2).
Genome position (GRCh38, 1-based): chrX:101,401,725, A>G on the plus strand (T>C on the coding strand, the complement: GLA is on the minus strand). VCF-style: chrX-101401725-A-G. GRCh37 (hg19) VCF-style: chrX-100656713-A-G.
Other names: c.577T>C, p.Tyr193His (NM_001406747.1, NM_001406749.1); c.454T>C, p.Tyr152His (NM_001406748.1); c.300+6268A>G (NM_001199973.2); c.177+9903A>G (NM_001199974.2); short protein forms Y152H, Y193H.
Identifiers: ClinVar variation 4087375 (VCV004087375.2).

ClinVar aggregate classification (germline): Likely pathogenic (1 of 4 stars; one submission).

Conditions:
Fabry disease. Also called: ALPHA-GALACTOSIDASE A DEFICIENCY; ANDERSON-FABRY DISEASE; CERAMIDE TRIHEXOSIDASE DEFICIENCY; GLA DEFICIENCY; HEREDITARY DYSTOPIC LIPIDOSIS; Angiokeratoma corporis diffusum. Identifiers: Orphanet 324, MedGen C0002986, MONDO:0010526, OMIM 301500, HP:0001071. Disease mechanism: Fabry disease is due to inactivating mutations in the X-linked GLA gene resulting in deficiency of the enzyme Alpha Galactosidase-A., loss of function.

gnomAD v4.1: 1 of 1,207,620 alleles (0.000083%); highest among the groups gnomAD compares: Non-Finnish European, 0.00011%; no homozygotes.

Submission:

Genomenon, Inc
Classification: Likely pathogenic for Fabry disease. Last evaluated: 2026-09-08. Review status: criteria provided, single submitter. Criteria: Genomenon Sequence Variant Interpretation Standards - Updated. Collection method: curation. Allele origin: germline. Affected: yes.
Comment: GLA p.Tyr152His (c.454T>C) is a missense variant that changes the amino acid at codon 152 from Tyrosine to Histidine. This variant has been observed in at least one proband with clinical features consistent with Fabry disease (PMID:39225306;30474596;34356073;30477121;24173410;35419325). Functional or patient cell studies have been reported (PMID:30474596;24173410;35419325;39225306). It is absent or not present at a significant frequency in gnomAD. In silico models predict that this variant is possibly or probably damaging. In conclusion, we classify GLA p.Tyr152His (c.454T>C) as a likely pathogenic variant.

Literature cited by the submitters: PubMed 39225306; PubMed 30474596; PubMed 34356073; PubMed 30477121; PubMed 24173410; PubMed 35419325.